The following is an entry in ClinVar:

NM_006231.4(POLE):c.3651C>T (p.Leu1217=)

Gene: POLE (DNA polymerase epsilon, catalytic subunit; minus strand). Cytogenetic location: 12q24.33.
Variant type: single nucleotide variant.
Coding change: c.3651C>T on transcript NM_006231.4 (MANE Select); coding-DNA position 3651, C replaced by T.
Protein change: p.Leu1217=; no amino-acid change (leucine 1217 retained).
Molecular consequence: synonymous variant.
Genome position (GRCh38, 1-based): chr12:132,649,821, G>A on the plus strand (C>T on the coding strand, the complement: POLE is on the minus strand). VCF-style: chr12-132649821-G-A. GRCh37 (hg19) VCF-style: chr12-133226407-G-A.
Identifiers: ClinVar variation 392284 (VCV000392284.27), dbSNP rs765445494, ClinGen allele CA6893151.

ClinVar aggregate classification (germline): Likely benign. Review status: criteria provided, multiple submitters, no conflicts (2 of 4 stars). 7 submissions from 7 submitters: Likely benign (4). 3 of the submissions do not count toward it. Last evaluated 2026-01-21.

Conditions:
Hereditary cancer-predisposing syndrome. Also called: Neoplastic Syndromes, Hereditary; Hereditary neoplastic syndrome; Tumor predisposition; Hereditary Cancer Syndrome. Identifiers: Orphanet 140162, MedGen C0027672, MeSH D009386, MONDO:0015356.

Allele frequency attached by ClinVar (database versions not stated): gnomAD exomes 0.00002; gnomAD 0.00001; TOPMed 0.00001; ExAC 0.00002.
gnomAD v4.1: 39 of 1,614,014 alleles (0.0024%); highest among the groups gnomAD compares: South Asian, 0.0033%; no homozygotes.

Submissions (7):

Labcorp Genetics (formerly Invitae), Labcorp
Classification: Likely benign. Last evaluated: 2026-01-21. Review status: criteria provided, single submitter. Criteria: Invitae Variant Classification Sherloc (09022015). Collection method: clinical testing. Allele origin: germline.

CeGaT Center for Human Genetics Tuebingen
Classification: Likely benign. Last evaluated: 2025-09-01. Review status: criteria provided, single submitter. Criteria: CeGaT Center For Human Genetics Tuebingen Variant Classification Criteria Version 2. Collection method: clinical testing. Allele origin: germline. Affected: yes. Observed: 1 variant allele.
Comment: POLE: BP4, BP7

GeneDx
Classification: Likely benign. Last evaluated: 2019-12-03. Review status: criteria provided, single submitter. Criteria: GeneDx Variant Classification Process June 2021. Collection method: clinical testing. Allele origin: germline. Affected: yes.

Ambry Genetics
Classification: Likely benign for Hereditary cancer-predisposing syndrome. Last evaluated: 2015-09-06. Review status: criteria provided, single submitter. Criteria: Ambry Variant Classification Scheme 2023. Collection method: clinical testing. Allele origin: germline.

Clinical Genetics, Academic Medical Center
Classification: Likely benign. Review status: no assertion criteria provided. Collection method: clinical testing. Allele origin: germline. Affected: yes. Study: VKGL Data-share Consensus. Not counted in ClinVar's aggregate classification.

Genome Diagnostics Laboratory, Amsterdam University Medical Center
Classification: Likely benign. Review status: no assertion criteria provided. Collection method: clinical testing. Allele origin: germline. Affected: yes. Study: VKGL Data-share Consensus. Not counted in ClinVar's aggregate classification.

Genome Diagnostics Laboratory, University Medical Center Utrecht
Classification: Likely benign. Review status: no assertion criteria provided. Collection method: clinical testing. Allele origin: germline. Affected: yes. Study: VKGL Data-share Consensus. Not counted in ClinVar's aggregate classification.